The following is an entry in ClinVar:

NM_005689.4(ABCB6):c.192G>C (p.Trp64Cys)

Gene: ABCB6 (ATP binding cassette subfamily B member 6 (LAN blood group); minus strand). Cytogenetic location: 2q35.
Variant type: single nucleotide variant.
Coding change: c.192G>C on transcript NM_005689.4 (MANE Select); coding-DNA position 192, G replaced by C.
Protein change: p.Trp64Cys; replaces tryptophan 64 with cysteine.
Molecular consequence: missense variant.
Genome position (GRCh38, 1-based): chr2:219,218,482, C>G on the plus strand (G>C on the coding strand, the complement: ABCB6 is on the minus strand). VCF-style: chr2-219218482-C-G. GRCh37 (hg19) VCF-style: chr2-220083204-C-G.
Other names: c.192G>C, p.Trp64Cys (NM_001349828.2); short protein forms W64C.
Identifiers: ClinVar variation 3377363 (VCV003377363.1).

ClinVar aggregate classification (germline): Uncertain significance (1 of 4 stars; one submission).

Conditions:
Dyschromatosis universalis hereditaria 3 (DUH3). Identifiers: MedGen C3809394, MONDO:0014169, OMIM 615402.

gnomAD v4.1: 28 of 1,608,258 alleles (0.0017%); highest among the groups gnomAD compares: South Asian, 0.0044%; no homozygotes.

Submission:

Victorian Clinical Genetics Services, Murdoch Childrens Research Institute
Classification: Uncertain significance for Dyschromatosis universalis hereditaria 3. Last evaluated: 2020-05-25. Review status: criteria provided, single submitter. Criteria: ACMG Guidelines, 2015. Collection method: clinical testing. Allele origin: germline. Affected: yes.
Comment: Based on the classification scheme VCGS_Germline_v1.1.1, this variant is classified as 3B-VUS. Following criteria are met: 0105 - The mechanism of disease for this gene is not clearly established. (N) 0108 - This gene is known to be associated with both recessive and dominant disease (OMIM, PMID: 27151991). (N) 0200 - Variant is predicted to result in a missense amino acid change from tryptophan to cysteine (exon 1). (N) 0251 - Variant is heterozygous. (N) 0302 - Variant is present in gnomAD <0.001 (6 heterozygotes, 0 homozygotes). (P) 0309 - An alternative amino acid change at the same position has been observed in gnomAD (2 heterozygotes, 0 homozygotes). (N) 0502 - Missense variant with conflicting in-silico predictions and/or uninformative conservation. (N) 0600 - Variant is located in an annotated domain or motif (mitochondrial ABC-transporter N-terminal five TM region; NCBI, PDB). (N) 0705 - No comparable variants have previous evidence for pathogenicity. (N) 0807 - Variant has not previously been reported in a clinical context. (N) 0905 - No segregation evidence has been identified for this variant. (N) 1007 - No published functional evidence has been identified for this variant. (N) 1208 - Inheritance information for this variant is not currently available. (N) Legend: (P) - Pathogenic, (N) - Neutral, (B) - Benign

Literature cited by the submitters: PubMed 27151991.